The following is an entry in ClinVar:

ClinVar aggregate classification (germline): Uncertain significance (1 of 4 stars; one submission).

Conditions:
Noonan syndrome 9 (NS9). Identifiers: Orphanet 648, MedGen C4225282, MONDO:0014691, OMIM 616559.

Submission:

Labcorp Genetics (formerly Invitae), Labcorp
Classification: Uncertain significance for Noonan syndrome 9. Last evaluated: 2019-06-17. Review status: criteria provided, single submitter. Criteria: Invitae Variant Classification Sherloc (09022015). Collection method: clinical testing. Allele origin: germline.
Comment: In summary, the available evidence is currently insufficient to determine the role of this variant in disease. Therefore, it has been classified as a Variant of Uncertain Significance. Algorithms developed to predict the effect of missense changes on protein structure and function (SIFT, PolyPhen-2, Align-GVGD) all suggest that this variant is likely to be disruptive, but these predictions have not been confirmed by published functional studies and their clinical significance is uncertain. This sequence change replaces proline with arginine at codon 994 of the SOS2 protein (p.Pro994Arg). The proline residue is highly conserved and there is a moderate physicochemical difference between proline and arginine. This variant is not present in population databases (ExAC no frequency). This variant has not been reported in the literature in individuals with SOS2-related conditions.

NM_006939.4(SOS2):c.2981C>G (p.Pro994Arg)

Gene: SOS2 (SOS Ras/Rho guanine nucleotide exchange factor 2; minus strand). Cytogenetic location: 14q21.3.
Variant type: single nucleotide variant.
Coding change: c.2981C>G on transcript NM_006939.4 (MANE Select); coding-DNA position 2981, C replaced by G.
Protein change: p.Pro994Arg; replaces proline 994 with arginine.
Molecular consequence: missense variant.
Genome position (GRCh38, 1-based): chr14:50,134,217, G>C on the plus strand (C>G on the coding strand, the complement: SOS2 is on the minus strand). VCF-style: chr14-50134217-G-C. GRCh37 (hg19) VCF-style: chr14-50600935-G-C.
Other names: short protein forms P994R.
Identifiers: ClinVar variation 947421 (VCV000947421.9), dbSNP rs1883999558, ClinGen allele CA389641885.
Genomic context (GRCh38, chr14:50,134,217, plus strand): 5'-ATTTCTAGTGACTTGTTGAACAAATAATCTGTAAACTCTTTTTCAGATGCACTTCCCATG[G>C]GGTTAAGGTTTTCAAAGAATCTCTGGAATTAAACAAATAACACAAGTGCATATATAGTAA-3'
Protein context (NP_008870.2, residues 984-1004): DMRRFFENLN[Pro994Arg]MGSASEKEFT